The following is an entry in ClinVar:

ClinVar aggregate classification (germline): Uncertain significance (1 of 4 stars; one submission).

Conditions:
Neurodevelopmental disorder with or without variable brain abnormalities; NEDBA. Also called: NEURODEVELOPMENTAL DISORDER WITH OR WITHOUT VARIABLE BRAIN ABNORMALITIES. Identifiers: MedGen C5193102, MONDO:0032755, OMIM 618443.

Allele frequency attached by ClinVar (database versions not stated): TOPMed below 0.00001 and 0.00001.

Submission:

Centre for Mendelian Genomics, University Medical Centre Ljubljana
Classification: Uncertain significance for Neurodevelopmental disorder with or without variable brain abnormalities; NEDBA. Last evaluated: 2020-01-08. Review status: criteria provided, single submitter. Criteria: ACMG Guidelines, 2015. Collection method: clinical testing. Allele origin: unknown. Affected: yes.
Comment: This variant was classified as: Uncertain significance. The available evidence on this variant's pathogenicity is insufficient or conflicting. The following ACMG criteria were applied in classifying this variant: PM2,PP3.

NM_001318852.2(MAPK8IP3):c.2819+1G>A

Gene: MAPK8IP3 (mitogen-activated protein kinase 8 interacting protein 3; plus strand). Cytogenetic location: 16p13.3.
Variant type: single nucleotide variant.
Coding change: c.2819+1G>A on transcript NM_001318852.2 (MANE Select); the canonical splice donor site of the intron after coding-DNA position 2819, G replaced by A.
Molecular consequence: splice donor variant.
Genome position (GRCh38, 1-based): chr16:1,766,410, G>A. VCF-style: chr16-1766410-G-A. GRCh37 (hg19) VCF-style: chr16-1816411-G-A.
Other names: c.2816+1G>A (NM_015133.5); c.2798+1G>A (NM_001040439.2).
Identifiers: ClinVar variation 931019 (VCV000931019.3), dbSNP rs1347784703, ClinGen allele CA394236581.
Genomic context (GRCh38, chr16:1,766,410, plus strand): 5'-CACAGAGCACGTCTTCACTGACCCAGCCCCGACCCCGTCCTCTGGCCCCCAGCCTGGCAG[G>A]TGAGCTCTTGGGCTGGGGCAGGAGCAGAGGGAAGGCTTGCAGAGGTGGGAAGGGCCTCGG-3'